The following is an entry in ClinVar:

NM_153448.4(ESX1):c.889T>G (p.Trp297Gly)

Gene: ESX1 (ESX homeobox 1; minus strand). Cytogenetic location: Xq22.2.
Variant type: single nucleotide variant.
Coding change: c.889T>G on transcript NM_153448.4 (MANE Select); coding-DNA position 889, T replaced by G.
Protein change: p.Trp297Gly; replaces tryptophan 297 with glycine.
Molecular consequence: missense variant.
Genome position (GRCh38, 1-based): chrX:104,250,560, A>C on the plus strand (T>G on the coding strand, the complement: ESX1 is on the minus strand). VCF-style: chrX-104250560-A-C. GRCh37 (hg19) VCF-style: chrX-103495241-A-C.
Other names: c.889T>G (NM_153448.3); short protein forms W297G.
Identifiers: ClinVar variation 2673250 (VCV002673250.24), dbSNP rs782739318, ClinGen allele CA10480004.
Genomic context (GRCh38, chrX:104,250,560, plus strand): 5'-GCGGCCCGGTTGGCACAGGCGCCATGGGCGGCCAGGGTGGCACAGGCGCCATGGGCGGCC[A>C]GGGTGGCACAGGCGCCATGCGTGGCCCGGGTGGCACAGGCGCCATGCGTGAGCCGGGTGG-3'
Protein context (NP_703149.1, residues 287-307): PGPRMAPVPP[Trp297Gly]PPMAPVPPWP

ClinVar aggregate classification (germline): Likely benign. Review status: criteria provided, multiple submitters, no conflicts (2 of 4 stars). 2 submissions from 2 submitters: Likely benign (2). Last evaluated 2023-11-01.

Allele frequency attached by ClinVar (database versions not stated): gnomAD exomes 0.00011; gnomAD 0.00023; 1000 Genomes Project 0.00053.
gnomAD v4.1: 145 of 1,121,762 alleles (0.013%); highest among the groups gnomAD compares: African/African-American, 0.045%; no homozygotes.

Submissions (2):

CeGaT Center for Human Genetics Tuebingen
Classification: Likely benign. Last evaluated: 2023-11-01. Review status: criteria provided, single submitter. Criteria: CeGaT Center For Human Genetics Tuebingen Variant Classification Criteria Version 2. Collection method: clinical testing. Allele origin: germline. Affected: yes. Observed: 1 variant allele.
Comment: ESX1: BP4, BS2

Ambry Genetics
Classification: Likely benign. Last evaluated: 2023-09-21. Review status: criteria provided, single submitter. Criteria: Ambry Variant Classification Scheme 2023. Collection method: clinical testing. Allele origin: germline.